The following is an entry in ClinVar:

NM_015295.3(SMCHD1):c.4335C>G (p.Cys1445Trp)

Gene: SMCHD1 (structural maintenance of chromosomes flexible hinge domain containing 1; plus strand). Cytogenetic location: 18p11.32.
Variant type: single nucleotide variant.
Coding change: c.4335C>G on transcript NM_015295.3 (MANE Select); coding-DNA position 4335, C replaced by G.
Protein change: p.Cys1445Trp; replaces cysteine 1445 with tryptophan.
Molecular consequence: missense variant.
Genome position (GRCh38, 1-based): chr18:2,752,541, C>G. VCF-style: chr18-2752541-C-G. GRCh37 (hg19) VCF-style: chr18-2752539-C-G.
Other names: short protein forms C1445W.
Identifiers: ClinVar variation 3651168 (VCV003651168.2).

ClinVar aggregate classification (germline): Uncertain significance (1 of 4 stars; one submission).

Conditions:
Facioscapulohumeral muscular dystrophy 2 (FSHD2). Also called: MUSCULAR DYSTROPHY, FACIOSCAPULOHUMERAL, TYPE 1B; FACIOSCAPULOHUMERAL MUSCULAR DYSTROPHY 2, DIGENIC; FSHD2, DIGENIC. Identifiers: Orphanet 269, MedGen C1834671, MONDO:0008031, OMIM 158901.

Submission:

Labcorp Genetics (formerly Invitae), Labcorp
Classification: Uncertain significance for Facioscapulohumeral muscular dystrophy 2. Last evaluated: 2024-04-25. Review status: criteria provided, single submitter. Criteria: Invitae Variant Classification Sherloc (09022015). Collection method: clinical testing. Allele origin: germline.
Comment: This sequence change replaces cysteine, which is neutral and slightly polar, with tryptophan, which is neutral and slightly polar, at codon 1445 of the SMCHD1 protein (p.Cys1445Trp). This variant is not present in population databases (gnomAD no frequency). This variant has not been reported in the literature in individuals affected with SMCHD1-related conditions. Advanced modeling of protein sequence and biophysical properties (such as structural, functional, and spatial information, amino acid conservation, physicochemical variation, residue mobility, and thermodynamic stability) performed at Invitae indicates that this missense variant is not expected to disrupt SMCHD1 protein function with a negative predictive value of 80%. Algorithms developed to predict the effect of sequence changes on RNA splicing suggest that this variant may disrupt the consensus splice site. In summary, the available evidence is currently insufficient to determine the role of this variant in disease. Therefore, it has been classified as a Variant of Uncertain Significance.